The following is an entry in ClinVar:

ClinVar aggregate classification (germline): Pathogenic/Likely pathogenic. Review status: criteria provided, multiple submitters, no conflicts (2 of 4 stars). 21 submissions from 21 submitters: Pathogenic (16); Likely pathogenic (1). 4 of the submissions do not count toward it. Last evaluated 2026-06-03.

Conditions:
GJB2-related disorder. Also called: GJB2-related condition; GJB2-related disorders. Identifiers: MedGen CN382183, MONDO:1060236.
Hearing loss. Identifiers: MedGen C3887873.
Monogenic hearing loss.
Rare genetic deafness. Identifiers: Orphanet 96210, MedGen C5680250.
Autosomal dominant keratitis-ichthyosis-hearing loss syndrome. Also called: Senter syndrome; KID SYNDROME, AUTOSOMAL DOMINANT; HID SYNDROME. Identifiers: Orphanet 477, MedGen C0265336, MONDO:0007850, OMIM 148210.
Autosomal recessive nonsyndromic hearing loss 1A (DFNB1A). Also called: GJB2-Related Autosomal Recessive Nonsyndromic Hearing Loss; GJB6-Related DFNB 1 Nonsyndromic Hearing Loss and Deafness; Connexin 26 deafness; Deafness nonsyndromic, Connexin 26 linked; Nonsyndromic Hearing Loss and Deafness, DFNB1; Deafness, autosomal recessive 1A. Identifiers: Orphanet 90636, MedGen C2673759, MONDO:0009076, OMIM 220290.
Palmoplantar keratoderma-deafness syndrome. Also called: Keratoderma palmoplantar, with deafness; Palmoplantar keratoderma and sensorineural deafness; Hereditary palmoplantar keratoderma with deafness (subtype); Focal palmoplantar keratoderma with sensorineural deafness (subtype); Diffuse palmoplantar keratoderma with deafness (subtype). Identifiers: Orphanet 2202, MedGen C1835672, MONDO:0007852, OMIM 148350.
Ichthyosis, hystrix-like, with hearing loss. Also called: Hystrix-like ichthyosis with deafness. Identifiers: Orphanet 477, MedGen C1865234, MONDO:0011245.
Knuckle pads, deafness AND leukonychia syndrome. Also called: Bart-Pumphrey syndrome. Identifiers: Orphanet 2698, MedGen C0266004, MONDO:0007866, OMIM 149200.
Autosomal dominant nonsyndromic hearing loss 3A. Identifiers: Orphanet 90635, MedGen C2675750, MONDO:0011103, OMIM 601544.
Mutilating keratoderma (VOWNKL). Also called: Keratoderma hereditarium mutilans. Identifiers: Orphanet 494, MedGen C0265964, MONDO:0007422, OMIM 124500.
Hearing impairment. Also called: Impaired Hearing. Identifiers: MedGen C1384666, MONDO:0005365, HP:0000365.
nonsyndromic sensorineural hearing loss. Identifiers: MedGen C1842137, MeSH C537845.

Allele frequency attached by ClinVar (database versions not stated): ExAC 0.00004; gnomAD exomes 0.00001 and 0.00008; gnomAD 0.00003; ESP Exome Variant Server 0.00008; TOPMed 0.00002.
gnomAD v4.1: 117 of 1,613,672 alleles (0.0073%); highest among the groups gnomAD compares: Non-Finnish European, 0.0096%; no homozygotes.

Submissions 1 to 12 of 21:

Genetics Laboratory, Great Ormond Street Hospital NHS Foundation Trust, North Thames Genomic Laboratory Hub
Classification: Pathogenic for Monogenic hearing loss. Last evaluated: 2026-06-03. Review status: criteria provided, single submitter. Criteria: ACGS Best Practice Guidelines for Variant Classification in Rare Disease 2024 v1.2. Collection method: clinical testing. Allele origin: germline. Affected: yes.
Comment: PM2_moderate, PP3_supporting, PM5_moderate, PS3_moderate, PM3_strong

Otogenetics
Classification: Pathogenic for Autosomal recessive nonsyndromic hearing loss 1A. Last evaluated: 2026-01-23. Review status: criteria provided, single submitter. Criteria: ACMG Guidelines, 2015. Collection method: clinical testing. Allele origin: germline.

Athena Diagnostics
Classification: Pathogenic. Last evaluated: 2025-09-17. Review status: criteria provided, single submitter. Criteria: Athena Diagnostics Criteria. Collection method: clinical testing. Allele origin: unknown.
Comment: The frequency of this variant in the general population is consistent with pathogenicity. In multiple individuals, this variant has been seen with a single recessive pathogenic variant in the same gene, suggesting this variant may also be pathogenic. This variant appears to segregate with disease in at least one family, however, the available information does not rule out segregation due to chance. Assessment of experimental evidence suggests this variant results in abnormal protein function. (PMID: 26749107)

Variantyx, Inc.
Classification: Likely pathogenic for Autosomal recessive nonsyndromic hearing loss 1A. Last evaluated: 2025-05-15. Review status: criteria provided, single submitter. Criteria: Variantyx Assertion Criteria 2022. Collection method: clinical testing. Allele origin: germline. Inheritance: Autosomal recessive inheritance.
Comment: This is a nonsynonymous variant in the GJB2 gene (OMIM: 121011). Pathogenic variants in this gene have been associated with autosomal recessive hearing loss 1A. This variant has been identified in the compound heterozygous state in at least 3 individuals reported in the published literature (PMID: 21465647, 31160754) (PM3_Strong). Functional studies have shown that this variant alters GJB2 protein function (PMID: 26749107) (PS3_Moderate). Alternate amino acid change(s) at this position (p.His100Leu) have been previously reported in similarly affected individuals, which suggests that this residue is biologically important (PMID: 19371219, 24256046) (PM5). Multiple computational algorithms predict a deleterious effect for this variant (REVEL score: 0.799) (PP3). This variant has a 0.0096% maximum allele frequency in non-founder control populations. Based on the current evidence, this variant is classified as likely pathogenic for autosomal recessive hearing loss 1A.

Labcorp Genetics (formerly Invitae), Labcorp
Classification: Pathogenic. Last evaluated: 2025-05-07. Review status: criteria provided, single submitter. Criteria: Invitae Variant Classification Sherloc (09022015). Collection method: clinical testing. Allele origin: germline.
Comment: This sequence change replaces histidine, which is basic and polar, with tyrosine, which is neutral and polar, at codon 100 of the GJB2 protein (p.His100Tyr). This variant is present in population databases (rs143343083, gnomAD 0.007%). This missense change has been observed in individual(s) with autosomal recessive deafness (PMID: 11102979, 16222667, 16467727, 17041943, 20553101, 21094084, 21287563, 21465647). In at least one individual the data is consistent with being in trans (on the opposite chromosome) from a pathogenic variant. ClinVar contains an entry for this variant (Variation ID: 158607). Invitae Evidence Modeling of protein sequence and biophysical properties (such as structural, functional, and spatial information, amino acid conservation, physicochemical variation, residue mobility, and thermodynamic stability) indicates that this missense variant is expected to disrupt GJB2 protein function with a positive predictive value of 95%. Experimental studies have shown that this missense change affects GJB2 function (PMID: 26749107). For these reasons, this variant has been classified as Pathogenic.

Natera, Inc.
Classification: Pathogenic for Autosomal recessive deafness type 1A. Last evaluated: 2025-05-05. Review status: criteria provided, single submitter. Criteria: Natera Variant Classification Schema (03/2026). Collection method: clinical testing. Allele origin: germline.
Comment: The c.298C>T variant in GJB2 is a missense variant predicted to cause substitution of histidine to tyrosine at amino acid 100. This variant is rare in the general population with a frequency below the threshold expected for the associated phenotype(s). This variant has been observed in one or more individuals affected with the associated recessive disease, as either homozygous or compound heterozygous with a second variant (PMID: 21465647, 14694360, 11102979). Additionally, this variant has been observed to segregate in affected family members (PMID: 11102979). Computational prediction algorithms indicate this variant is likely to affect gene or protein function. Given the available evidence, this variant is classified as Pathogenic.

Fulgent Genetics
Classification: Pathogenic for Mutilating keratoderma; Autosomal dominant keratitis-ichthyosis-hearing loss syndrome; Palmoplantar keratoderma-deafness syndrome; Knuckle pads, deafness AND leukonychia syndrome; Autosomal recessive nonsyndromic hearing loss 1A; Autosomal dominant nonsyndromic hearing loss 3A. Last evaluated: 2024-02-17. Review status: criteria provided, single submitter. Criteria: ACMG Guidelines, 2015. Collection method: clinical testing. Allele origin: germline.

Integrating Genomics into Medicine, Frazer Institute, University Of Queensland
Classification: Pathogenic for Autosomal recessive nonsyndromic hearing loss 1A. Last evaluated: 2023-06-02. Review status: criteria provided, single submitter. Criteria: ACMG Guidelines, 2015. Collection method: clinical testing. Allele origin: germline. Affected: yes.

CeGaT Center for Human Genetics Tuebingen
Classification: Pathogenic. Last evaluated: 2023-03-01. Review status: criteria provided, single submitter. Criteria: CeGaT Center For Human Genetics Tuebingen Variant Classification Criteria Version 2. Collection method: clinical testing. Allele origin: germline. Affected: yes. Observed: 3 variant alleles.
Comment: GJB2: PM3:Very Strong, PM2

Blueprint Genetics
Classification: Pathogenic for GJB2-related disorders. Last evaluated: 2022-02-10. Review status: criteria provided, single submitter. Criteria: ACMG Guidelines, 2015. Collection method: clinical testing. Allele origin: germline. Affected: yes. Observed: 2 variant alleles.

GeneDx
Classification: Pathogenic. Last evaluated: 2021-12-14. Review status: criteria provided, single submitter. Criteria: GeneDx Variant Classification Process June 2021. Collection method: clinical testing. Allele origin: germline. Affected: yes.
Comment: Published functional studies demonstrate a damaging effect on hemichannel permeability (Kim et al., 2016); Different missense changes at this residue (p.(H100L), p.(H100P), p.(H100Q)) have been reported as pathogenic in the published literature in association with autosomal recessive nonsyndromic hearing loss (Snoeckx et al., 2005; Bartsch et al., 2010; Kim et al., 2016); In silico analysis supports that this missense variant has a deleterious effect on protein structure/function; This variant is associated with the following publications: (PMID: 25087612, 10376574, 31160754, 25388846, 20553101, 14694360, 17935238, 21287563, 12865758, 11102979, 17666888, 16950989, 17041943, 16380907, 21465647, 31980526, 16931589, 26778469, 16467727, 26749107, 20234132)

Institute of Medical Genetics and Applied Genomics, University Hospital Tübingen
Classification: Pathogenic. Last evaluated: 2021-06-17. Review status: criteria provided, single submitter. Criteria: ACMG Guidelines, 2015. Collection method: clinical testing. Allele origin: germline. Inheritance: Autosomal recessive inheritance. Affected: yes.

NM_004004.6(GJB2):c.298C>T (p.His100Tyr)

Gene: GJB2 (gap junction protein beta 2; minus strand). Cytogenetic location: 13q12.11.
Variant type: single nucleotide variant.
Coding change: c.298C>T on transcript NM_004004.6 (MANE Select); coding-DNA position 298, C replaced by T.
Protein change: p.His100Tyr; replaces histidine 100 with tyrosine.
Molecular consequence: missense variant.
Genome position (GRCh38, 1-based): chr13:20,189,284, G>A on the plus strand (C>T on the coding strand, the complement: GJB2 is on the minus strand). VCF-style: chr13-20189284-G-A. GRCh37 (hg19) VCF-style: chr13-20763423-G-A.
Other names: short protein forms H100Y.
Identifiers: ClinVar variation 158607 (VCV000158607.89), dbSNP rs143343083, ClinGen allele CA172221.